The following is an entry in ClinVar:

NM_001100.4(ACTA1):c.-65T>C

Genes: ACTA1 (actin alpha 1, skeletal muscle; minus strand), LOC122152321 (Sharpr-MPRA regulatory region 2214; plus strand). Cytogenetic location: 1q42.13.
Variant type: single nucleotide variant.
Coding change: c.-65T>C on transcript NM_001100.4 (MANE Select); 65 bases upstream of the start codon, T replaced by C.
Molecular consequence: 5 prime UTR variant.
Genome position (GRCh38, 1-based): chr1:229,434,056, A>G on the plus strand (T>C on the coding strand, the complement: ACTA1 is on the minus strand). VCF-style: chr1-229434056-A-G. GRCh37 (hg19) VCF-style: chr1-229569803-A-G.
Identifiers: ClinVar variation 296060 (VCV000296060.8), dbSNP rs605430, ClinGen allele CA10610295.

ClinVar aggregate classification (germline): Benign. Review status: criteria provided, multiple submitters, no conflicts (2 of 4 stars). 5 submissions from 3 submitters: Benign (5). Last evaluated 2018-07-03.

Conditions:
Actin accumulation myopathy (CMYO2A). Also called: CONGENITAL MYOPATHY 2A, TYPICAL, AUTOSOMAL DOMINANT; Myopathy, actin, congenital, with cores; Nemaline myopathy 3, with intranuclear rods; Nemaline myopathy type 3; Myopathy, actin, congenital, with excess of thin myofilaments. Identifiers: Orphanet 98904, MedGen C3711389, MONDO:0008070, OMIM 161800.
Familial restrictive cardiomyopathy (RCM). Identifiers: Orphanet 217635, MedGen C0340429, MONDO:0016340.
Congenital myopathy with fiber type disproportion. Also called: Congenital fiber-type disproportion myopathy; Congenital fiber-type disproportion. Identifiers: Orphanet 2020, MedGen C0546264, MONDO:0009711. Inheritance: all.

Allele frequency attached by ClinVar (database versions not stated): gnomAD exomes 0.56928; 1000 Genomes Project 0.63019; gnomAD 0.63222 and 0.63378; 1000 Genomes Project 30x 0.64663; TOPMed 0.65194.

Submissions (5):

GeneDx
Classification: Benign. Last evaluated: 2018-07-03. Review status: criteria provided, single submitter. Criteria: GeneDx Variant Classification Process June 2021. Collection method: clinical testing. Allele origin: germline. Affected: yes.

Illumina Laboratory Services, Illumina
Classification: Benign for Congenital myopathy 4A, autosomal dominant. Last evaluated: 2018-01-12. Review status: criteria provided, single submitter. Criteria: ICSL Variant Classification Criteria 13 December 2019. Collection method: clinical testing. Allele origin: germline.
Comment: This variant was observed in the ICSL laboratory as part of a predisposition screen in an ostensibly healthy population. It had not been previously curated by ICSL or reported in the Human Gene Mutation Database (HGMD: prior to June 1st, 2018), and was therefore a candidate for classification through an automated scoring system. Utilizing variant allele frequency, disease prevalence and penetrance estimates, and inheritance mode, an automated score was calculated to assess if this variant is too frequent to cause the disease. Based on the score and internal cut-off values, a variant classified as benign is not then subjected to further curation. The score for this variant resulted in a classification of benign for this disease.

Illumina Laboratory Services, Illumina
Classification: Benign for Actin accumulation myopathy. Last evaluated: 2018-01-12. Review status: criteria provided, single submitter. Criteria: ICSL Variant Classification Criteria 13 December 2019. Collection method: clinical testing. Allele origin: germline.
Comment: the same text as in the submission from Illumina Laboratory Services, Illumina above.

Illumina Laboratory Services, Illumina
Classification: Benign for Familial restrictive cardiomyopathy. Last evaluated: 2018-01-12. Review status: criteria provided, single submitter. Criteria: ICSL Variant Classification Criteria 13 December 2019. Collection method: clinical testing. Allele origin: germline.
Comment: the same text as in the submission from Illumina Laboratory Services, Illumina above.

Breakthrough Genomics
Classification: Benign. Review status: criteria provided, single submitter. Criteria: ACMG Guidelines, 2015. Collection method: not provided. Allele origin: germline. Inheritance: Autosomal recessive inheritance. Affected: yes.